The following is an entry in ClinVar:

ClinVar aggregate classification (germline): Benign. Review status: criteria provided, multiple submitters, no conflicts (2 of 4 stars). 3 submissions from 3 submitters: Benign (3). Last evaluated 2020-11-24.

Conditions:
Imerslund-Grasbeck syndrome type 1 (IGS1). Also called: Megaloblastic anemia 1, Finnish type; MEGALOBLASTIC ANEMIA, 1; Imerslund-Gräsbeck syndrome 1. Identifiers: MedGen C4016819, MONDO:0100156, OMIM 261100.

Allele frequency attached by ClinVar (database versions not stated): 1000 Genomes Project 30x 0.01374; gnomAD 0.01499 and 0.01612; TOPMed 0.01690; gnomAD exomes 0.00188; 1000 Genomes Project 0.01358.
gnomAD v4.1: 2,639 of 351,614 alleles (0.75%); highest among the groups gnomAD compares: African/African-American, 5.1%; 70 homozygotes.

Submissions (3):

GeneDx
Classification: Benign. Last evaluated: 2020-11-24. Review status: criteria provided, single submitter. Criteria: GeneDx Variant Classification Process June 2021. Collection method: clinical testing. Allele origin: germline. Affected: yes.

Illumina Laboratory Services, Illumina
Classification: Benign for Imerslund-Grasbeck syndrome type 1. Last evaluated: 2018-01-12. Review status: criteria provided, single submitter. Criteria: ICSL Variant Classification Criteria 13 December 2019. Collection method: clinical testing. Allele origin: germline.
Comment: This variant was observed in the ICSL laboratory as part of a predisposition screen in an ostensibly healthy population. It had not been previously curated by ICSL or reported in the Human Gene Mutation Database (HGMD: prior to June 1st, 2018), and was therefore a candidate for classification through an automated scoring system. Utilizing variant allele frequency, disease prevalence and penetrance estimates, and inheritance mode, an automated score was calculated to assess if this variant is too frequent to cause the disease. Based on the score and internal cut-off values, a variant classified as benign is not then subjected to further curation. The score for this variant resulted in a classification of benign for this disease.

Breakthrough Genomics
Classification: Benign. Review status: criteria provided, single submitter. Criteria: ACMG Guidelines, 2015. Collection method: not provided. Allele origin: germline. Inheritance: Autosomal recessive inheritance. Affected: yes.

NM_001081.4(CUBN):c.*305T>G

Gene: CUBN (cubilin; minus strand). Cytogenetic location: 10p13.
Variant type: single nucleotide variant.
Coding change: c.*305T>G on transcript NM_001081.4 (MANE Select); 305 bases downstream of the stop codon, T replaced by G.
Molecular consequence: 3 prime UTR variant.
Genome position (GRCh38, 1-based): chr10:16,824,670, A>C on the plus strand (T>G on the coding strand, the complement: CUBN is on the minus strand). VCF-style: chr10-16824670-A-C. GRCh37 (hg19) VCF-style: chr10-16866669-A-C.
Identifiers: ClinVar variation 299342 (VCV000299342.7), dbSNP rs143326344, ClinGen allele CA10628269.